The following is an entry in ClinVar:

ClinVar aggregate classification (germline): Uncertain significance. Review status: criteria provided, single submitter (1 of 4 stars). 2 submissions from 2 submitters: Uncertain significance (1). 1 of the submissions does not count toward it. Last evaluated 2024-10-20.

Conditions:
KMT2D-related disorder. Also called: KMT2D-Related Disorders.
Inborn genetic diseases. Identifiers: MedGen C0950123, MeSH D030342.

Allele frequency attached by ClinVar (database versions not stated): gnomAD exomes below 0.00001.
gnomAD v4.1: 1 of 1,536,674 alleles (0.000065%); highest among the groups gnomAD compares: South Asian, 0.0013%; no homozygotes.

Submissions (2):

Ambry Genetics
Classification: Uncertain significance for Inborn genetic diseases. Last evaluated: 2024-10-20. Review status: criteria provided, single submitter. Criteria: Ambry Variant Classification Scheme 2023. Collection method: clinical testing. Allele origin: germline.

PreventionGenetics, part of Exact Sciences
Classification: Uncertain significance for KMT2D-related condition. Last evaluated: 2024-01-04. Review status: no assertion criteria provided. Collection method: clinical testing. Allele origin: germline. Not counted in ClinVar's aggregate classification.
Comment: The KMT2D c.2790G>A variant is predicted to result in the amino acid substitution p.Met930Ile. To our knowledge, this variant has not been reported in the literature or in a large population database, indicating this variant is rare. At this time, the clinical significance of this variant is uncertain due to the absence of conclusive functional and genetic evidence.

NM_003482.4(KMT2D):c.2790G>A (p.Met930Ile)

Gene: KMT2D (lysine methyltransferase 2D; minus strand). Cytogenetic location: 12q13.12.
Variant type: single nucleotide variant.
Coding change: c.2790G>A on transcript NM_003482.4 (MANE Select); coding-DNA position 2790, G replaced by A.
Protein change: p.Met930Ile; replaces methionine 930 with isoleucine.
Molecular consequence: missense variant.
Genome position (GRCh38, 1-based): chr12:49,050,893, C>T on the plus strand (G>A on the coding strand, the complement: KMT2D is on the minus strand). VCF-style: chr12-49050893-C-T. GRCh37 (hg19) VCF-style: chr12-49444676-C-T.
Other names: short protein forms M930I.
Identifiers: ClinVar variation 2631500 (VCV002631500.4), dbSNP rs2120659179, ClinGen allele CA384663932.
Genomic context (GRCh38, chr12:49,050,893, plus strand): 5'-GCCATGAAGAGTTACAGCTGTTCCAGAATAACAGAGTACTAACATCCCCTTACCTGGTGG[C>T]ATCAGCTGAGGCGACAAGGATGGCTCCCCAGATGGGGACAACGGCAGCTCCTCGGGCAGA-3'
Protein context (NP_003473.3, residues 920-940): SGEPSLSPQL[Met930Ile]PPDPLPPPLS